The following is an entry in ClinVar:

ClinVar aggregate classification (germline): Uncertain significance (1 of 4 stars; one submission).

Conditions:
Hermansky-Pudlak syndrome 9 (HPS9). Identifiers: Orphanet 280663, Orphanet 79430, MedGen C3280026, MONDO:0013606, OMIM 614171.

Submission:

Labcorp Genetics (formerly Invitae), Labcorp
Classification: Uncertain significance for Hermansky-Pudlak syndrome 9. Last evaluated: 2022-10-28. Review status: criteria provided, single submitter. Criteria: Invitae Variant Classification Sherloc (09022015). Collection method: clinical testing. Allele origin: germline.
Comment: In summary, the available evidence is currently insufficient to determine the role of this variant in disease. Therefore, it has been classified as a Variant of Uncertain Significance. Algorithms developed to predict the effect of missense changes on protein structure and function are either unavailable or do not agree on the potential impact of this missense change (SIFT: "Deleterious"; PolyPhen-2: "Probably Damaging"; Align-GVGD: "Class C0"). ClinVar contains an entry for this variant (Variation ID: 858786). This variant has not been reported in the literature in individuals affected with BLOC1S6-related conditions. This variant is not present in population databases (gnomAD no frequency). This sequence change replaces aspartic acid, which is acidic and polar, with asparagine, which is neutral and polar, at codon 63 of the BLOC1S6 protein (p.Asp63Asn).

NM_012388.4(BLOC1S6):c.187G>A (p.Asp63Asn)

Gene: BLOC1S6 (biogenesis of lysosomal organelles complex 1 subunit 6; plus strand). Cytogenetic location: 15q21.1.
Variant type: single nucleotide variant.
Coding change: c.187G>A on transcript NM_012388.4 (MANE Select); coding-DNA position 187, G replaced by A.
Protein change: p.Asp63Asn; replaces aspartic acid 63 with asparagine.
Molecular consequence: missense variant. On other transcripts: non-coding transcript variant (5).
Genome position (GRCh38, 1-based): chr15:45,592,239, G>A. VCF-style: chr15-45592239-G-A. GRCh37 (hg19) VCF-style: chr15-45884437-G-A.
Other names: c.202G>A, p.Asp68Asn (NM_001311256.1, NM_001311255.1); short protein forms D63N, D68N.
Identifiers: ClinVar variation 858786 (VCV000858786.9), dbSNP rs746059095, ClinGen allele CA392298930.